The following is an entry in ClinVar:

NM_003322.6(TULP1):c.733G>A (p.Ala245Thr)

Gene: TULP1 (TUB like protein 1; minus strand). Cytogenetic location: 6p21.31.
Variant type: single nucleotide variant.
Coding change: c.733G>A on transcript NM_003322.6 (MANE Select); coding-DNA position 733, G replaced by A.
Protein change: p.Ala245Thr; replaces alanine 245 with threonine.
Molecular consequence: missense variant.
Genome position (GRCh38, 1-based): chr6:35,509,298, C>T on the plus strand (G>A on the coding strand, the complement: TULP1 is on the minus strand). VCF-style: chr6-35509298-C-T. GRCh37 (hg19) VCF-style: chr6-35477075-C-T.
Other names: c.733G>A (NM_003322.3, NM_003322.5); c.574G>A, p.Ala192Thr (NM_001289395.2); short protein forms A192T, A245T.
Identifiers: ClinVar variation 970717 (VCV000970717.9), dbSNP rs779902591, ClinGen allele CA3772815.

ClinVar aggregate classification (germline): Conflicting classifications of pathogenicity. Review status: criteria provided, conflicting classifications (1 of 4 stars). 4 submissions from 4 submitters: Uncertain significance (3); Likely benign (1). Last evaluated 2026-08-25.

Conditions:
TULP1-related disorder. Also called: TULP1-related condition; TULP1-related disorders.
Inborn genetic diseases. Identifiers: MedGen C0950123, MeSH D030342.

Allele frequency attached by ClinVar (database versions not stated): gnomAD 0.00002; TOPMed 0.00002.

Submissions (4):

PreventionGenetics, part of Exact Sciences
Classification: Uncertain significance for TULP1-related condition. Last evaluated: 2026-08-25. Review status: criteria provided, single submitter. Criteria: ACMG Guidelines, 2015. Collection method: clinical testing. Allele origin: germline.
Comment: The TULP1 c.733G>A variant is predicted to result in the amino acid substitution p.Ala245Thr. To our knowledge, this variant has not been reported in the literature. This variant is reported in 0.010% of alleles in individuals of East Asian descent in gnomAD. At this time, the clinical significance of this variant is uncertain due to the absence of conclusive functional and genetic evidence.

Ambry Genetics
Classification: Uncertain significance for Inborn genetic diseases. Last evaluated: 2025-08-31. Review status: criteria provided, single submitter. Criteria: Ambry Variant Classification Scheme 2023. Collection method: clinical testing. Allele origin: germline.

Blueprint Genetics
Classification: Likely benign. Last evaluated: 2023-11-29. Review status: criteria provided, single submitter. Criteria: ACMG Guidelines, 2015. Collection method: clinical testing. Allele origin: germline.

Labcorp Genetics (formerly Invitae), Labcorp
Classification: Uncertain significance. Last evaluated: 2022-10-18. Review status: criteria provided, single submitter. Criteria: Invitae Variant Classification Sherloc (09022015). Collection method: clinical testing. Allele origin: germline.
Comment: This sequence change replaces alanine, which is neutral and non-polar, with threonine, which is neutral and polar, at codon 245 of the TULP1 protein (p.Ala245Thr). This variant is present in population databases (rs779902591, gnomAD 0.02%). This variant has not been reported in the literature in individuals affected with TULP1-related conditions. ClinVar contains an entry for this variant (Variation ID: 970717). Advanced modeling of protein sequence and biophysical properties (such as structural, functional, and spatial information, amino acid conservation, physicochemical variation, residue mobility, and thermodynamic stability) performed at Invitae indicates that this missense variant is not expected to disrupt TULP1 protein function. In summary, the available evidence is currently insufficient to determine the role of this variant in disease. Therefore, it has been classified as a Variant of Uncertain Significance.